The following is an entry in ClinVar:

ClinVar aggregate classification (germline): Uncertain significance. Review status: criteria provided, multiple submitters, no conflicts (2 of 4 stars). 2 submissions from 2 submitters: Uncertain significance (2). Last evaluated 2025-08-21.

Conditions:
Combined oxidative phosphorylation defect type 17. Also called: Combined oxidative phosphorylation deficiency 17. Identifiers: Orphanet 369913, MedGen C3809526, MONDO:0014190, OMIM 615440.

Allele frequency attached by ClinVar (database versions not stated): ExAC 0.00002; TOPMed 0.00004; gnomAD 0.00005.

Submissions (2):

Mayo Clinic Laboratories, Mayo Clinic
Classification: Uncertain significance. Last evaluated: 2025-08-21. Review status: criteria provided, single submitter. Criteria: ACMG Guidelines, 2015. Collection method: clinical testing. Allele origin: germline. Observed: 1 variant allele.
Comment: BP4_moderate

Labcorp Genetics (formerly Invitae), Labcorp
Classification: Uncertain significance for Combined oxidative phosphorylation defect type 17. Last evaluated: 2022-09-07. Review status: criteria provided, single submitter. Criteria: Invitae Variant Classification Sherloc (09022015). Collection method: clinical testing. Allele origin: germline.
Comment: This sequence change replaces isoleucine, which is neutral and non-polar, with methionine, which is neutral and non-polar, at codon 183 of the ELAC2 protein (p.Ile183Met). This variant is present in population databases (rs781505401, gnomAD 0.02%). This variant has not been reported in the literature in individuals affected with ELAC2-related conditions. Algorithms developed to predict the effect of missense changes on protein structure and function are either unavailable or do not agree on the potential impact of this missense change (SIFT: "Deleterious"; PolyPhen-2: "Possibly Damaging"; Align-GVGD: "Class C0"). In summary, the available evidence is currently insufficient to determine the role of this variant in disease. Therefore, it has been classified as a Variant of Uncertain Significance.

NM_018127.7(ELAC2):c.549C>G (p.Ile183Met)

Gene: ELAC2 (elaC ribonuclease Z 2; minus strand). Cytogenetic location: 17p12.
Variant type: single nucleotide variant.
Coding change: c.549C>G on transcript NM_018127.7 (MANE Select); coding-DNA position 549, C replaced by G.
Protein change: p.Ile183Met; replaces isoleucine 183 with methionine.
Molecular consequence: missense variant.
Genome position (GRCh38, 1-based): chr17:13,013,217, G>C on the plus strand (C>G on the coding strand, the complement: ELAC2 is on the minus strand). VCF-style: chr17-13013217-G-C. GRCh37 (hg19) VCF-style: chr17-12916534-G-C.
Other names: p.Ile183Met; c.549C>G, p.Ile183Met (NM_001165962.2, NM_173717.2); short protein forms I183M.
Identifiers: ClinVar variation 2197451 (VCV002197451.2), dbSNP rs781505401, ClinGen allele CA8401607.